The following is an entry in ClinVar:

NM_001243133.2(NLRP3):c.258A>C (p.Lys86Asn)

Gene: NLRP3 (NLR family pyrin domain containing 3; plus strand). Cytogenetic location: 1q44.
Variant type: single nucleotide variant.
Coding change: c.258A>C on transcript NM_001243133.2 (MANE Select); coding-DNA position 258, A replaced by C.
Protein change: p.Lys86Asn; replaces lysine 86 with asparagine.
Molecular consequence: missense variant.
Genome position (GRCh38, 1-based): chr1:247,419,058, A>C. VCF-style: chr1-247419058-A-C. GRCh37 (hg19) VCF-style: chr1-247582360-A-C.
Other names: c.258A>C, p.Lys86Asn (NM_001079821.3, NM_001127461.3, NM_001127462.3 and 1 more transcripts); c.264A>C, p.Lys88Asn (NM_004895.5); short protein forms K86N, K88N.
Identifiers: ClinVar variation 4799648 (VCV004799648.1).
Genomic context (GRCh38, chr1:247,419,058, plus strand): 5'-GGCCATGGCCGTGTGGATCTTCGCTGCGATCAACAGGAGAGACCTTTATGAGAAAGCAAA[A>C]AGAGATGAGCCGAAGTGGGGTGAGTGGAAGGAAGACTTTTAAAAAAAATTGTGGCCAAGT-3'
Protein context (NP_001230062.1, residues 76-96): INRRDLYEKA[Lys86Asn]RDEPKWGSDN

ClinVar aggregate classification (germline): Uncertain significance (1 of 4 stars; one submission).

Conditions:
Cryopyrin associated periodic syndrome (CAPS). Identifiers: Orphanet 208650, MedGen C2316212, MONDO:0016168.

gnomAD v4.1: 2 of 1,612,082 alleles (0.00012%); highest among the groups gnomAD compares: Non-Finnish European, 0.000085%; no homozygotes.

Submission:

Labcorp Genetics (formerly Invitae), Labcorp
Classification: Uncertain significance for Cryopyrin associated periodic syndrome. Last evaluated: 2025-04-11. Review status: criteria provided, single submitter. Criteria: Invitae Variant Classification Sherloc (09022015). Collection method: clinical testing. Allele origin: germline.
Comment: This sequence change replaces lysine, which is basic and polar, with asparagine, which is neutral and polar, at codon 88 of the NLRP3 protein (p.Lys88Asn). This variant is not present in population databases (gnomAD no frequency). This variant has not been reported in the literature in individuals affected with NLRP3-related conditions. Invitae Evidence Modeling of protein sequence and biophysical properties (such as structural, functional, and spatial information, amino acid conservation, physicochemical variation, residue mobility, and thermodynamic stability) indicates that this missense variant is not expected to disrupt NLRP3 protein function with a negative predictive value of 95%. In summary, the available evidence is currently insufficient to determine the role of this variant in disease. Therefore, it has been classified as a Variant of Uncertain Significance.